The following is an entry in ClinVar:

ClinVar aggregate classification (germline): Conflicting classifications of pathogenicity. Review status: criteria provided, conflicting classifications (1 of 4 stars). 8 submissions from 8 submitters: Uncertain significance (5); Likely benign (2). 1 of the submissions does not count toward it. Last evaluated 2025-11-10.

Conditions:
Collagen 6-related myopathy. Identifiers: MedGen CN117976, MONDO:0100225.
Bethlem myopathy 1A. Also called: Bethlem myopathy 1; MYOPATHY, BENIGN CONGENITAL, WITH CONTRACTURES; Bethlem Muscular Dystrophy. Identifiers: Orphanet 610, MedGen CN029274, MONDO:0024530, OMIM 158810.

Allele frequency attached by ClinVar (database versions not stated): ExAC 0.00013; gnomAD exomes 0.00019 and 0.00036; ESP Exome Variant Server 0.00023; gnomAD 0.00027; TOPMed 0.00030; 1000 Genomes Project 0.00040; 1000 Genomes Project 30x 0.00047.
gnomAD v4.1: 572 of 1,614,102 alleles (0.035%); highest among the groups gnomAD compares: Non-Finnish European, 0.044%; no homozygotes.

Submissions (8):

Labcorp Genetics (formerly Invitae), Labcorp
Classification: Likely benign for Bethlem myopathy 1A. Last evaluated: 2025-11-10. Review status: criteria provided, single submitter. Criteria: Invitae Variant Classification Sherloc (09022015). Collection method: clinical testing. Allele origin: germline.

GeneDx
Classification: Uncertain significance. Last evaluated: 2025-05-21. Review status: criteria provided, single submitter. Criteria: GeneDx Variant Classification Process June 2021. Collection method: clinical testing. Allele origin: germline. Affected: yes.
Comment: Reported in an individual with a clinical diagnosis of LGMD who also harbored a second COL6A3 variant; however, parental studies were not reported and two variants in the NEB gene were also identified (PMID: 25214167); In silico analysis supports that this missense variant has a deleterious effect on protein structure/function; This variant is associated with the following publications: (PMID: 23040494, 30564623, 25214167, 39983722)

Women's Health and Genetics/Laboratory Corporation of America, LabCorp
Classification: Uncertain significance. Last evaluated: 2024-12-02. Review status: criteria provided, single submitter. Criteria: LabCorp Variant Classification Summary - May 2015. Collection method: clinical testing. Allele origin: germline.
Comment: Variant summary: COL6A3 c.3445C>T (p.Arg1149Trp) results in a non-conservative amino acid change located in the von Willebrand factor (vWF) type A domain (IPR002035) of the encoded protein sequence. Four of five in-silico tools predict a damaging effect of the variant on protein function. The variant allele was found at a frequency of 0.00019 in 251266 control chromosomes. This frequency is not significantly higher than estimated for a pathogenic variant in COL6A3 causing Ullrich congenital muscular dystrophy 1-AR (0.00019 vs 0.0035), allowing no conclusion about variant significance. c.3445C>T has been reported in the literature in at least one compound heterozygous individual affected with Limb-girdle muscular dystrophy carrying a second variant classified as benign in the presence of additional variants in the NEB gene (e.g. Savarese_2014). This report does not provide unequivocal conclusions about association of the variant with Ullrich congenital muscular dystrophy 1-AR. To our knowledge, no experimental evidence demonstrating an impact on protein function has been reported. The following publication has been ascertained in the context of this evaluation (PMID: 25214167). ClinVar contains an entry for this variant (Variation ID: 284774). Based on the evidence outlined above, the variant was classified as uncertain significance.

Mayo Clinic Laboratories, Mayo Clinic
Classification: Uncertain significance. Last evaluated: 2024-03-22. Review status: criteria provided, single submitter. Criteria: ACMG Guidelines, 2015. Collection method: clinical testing. Allele origin: germline. Observed: 2 variant alleles.

Revvity Omics, Revvity
Classification: Uncertain significance. Last evaluated: 2022-08-12. Review status: criteria provided, single submitter. Criteria: ACMG Guidelines, 2015. Collection method: clinical testing. Allele origin: germline.

Eurofins Ntd Llc (ga)
Classification: Uncertain significance. Last evaluated: 2018-07-17. Review status: criteria provided, single submitter. Criteria: EGL ClinVar v180209 classification definitions. Collection method: clinical testing. Allele origin: germline. Observed: 6 variant alleles, 6 heterozygotes.

Illumina Laboratory Services, Illumina
Classification: Likely benign for Collagen VI-related myopathy. Last evaluated: 2017-04-27. Review status: criteria provided, single submitter. Criteria: ICSL Variant Classification Criteria 13 December 2019. Collection method: clinical testing. Allele origin: germline.
Comment: This variant was observed as part of a predisposition screen in an ostensibly healthy population. A literature search was performed for the gene, cDNA change, and amino acid change (where applicable). Publications were found based on this search. The evidence from the literature, in combination with allele frequency data from public databases where available, was sufficient to determine this variant is unlikely to cause disease. Therefore, this variant is classified as likely benign.

Department of Pathology and Laboratory Medicine, Sinai Health System
Classification: Uncertain significance. Review status: no assertion criteria provided. Collection method: clinical testing. Allele origin: unknown. Affected: yes. Study: The Canadian Open Genetics Repository (COGR). Not counted in ClinVar's aggregate classification.
Comment: The COL6A3 p.Arg542Trp variant was not identified in the literature but was identified in dbSNP (ID: rs113360085) and ClinVar (classified as uncertain significance by EGL Genetic Diagnostics, GeneDx, and Invitae, and as likely benign by Illumina). The variant was identified in control databases in 56 of 282644 chromosomes at a frequency of 0.0001981 (Genome Aggregation Database March 6, 2019, v2.1.1). The variant was observed in the following populations: European (non-Finnish) in 45 of 129010 chromosomes (freq: 0.000349) and Latino in 11 of 35436 chromosomes (freq: 0.00031), but was not observed in the African, Ashkenazi Jewish, East Asian, European (Finnish), Other, or South Asian populations. The p.Arg542 residue is not conserved in mammals and computational analyses (PolyPhen-2, SIFT, AlignGVGD, BLOSUM, MutationTaster) provide inconsistent predictions regarding the impact to the protein; this information is not very predictive of pathogenicity. The variant occurs outside of the splicing consensus sequence and in silico or computational prediction software programs (SpliceSiteFinder, MaxEntScan, NNSPLICE, GeneSplicer) do not predict a difference in splicing. In summary, based on the above information the clinical significance of this variant cannot be determined with certainty at this time. This variant is classified as a variant of uncertain significance.

Literature cited by the submitters: PubMed 25214167 (cited by Women's Health and Genetics/Laboratory Corporation of America, LabCorp and Illumina Laboratory Services, Illumina); PubMed 23040494 (cited by Mayo Clinic Laboratories, Mayo Clinic and Illumina Laboratory Services, Illumina).

NM_004369.4(COL6A3):c.3445C>T (p.Arg1149Trp)

Gene: COL6A3 (collagen type VI alpha 3 chain; minus strand). Cytogenetic location: 2q37.3.
Variant type: single nucleotide variant.
Coding change: c.3445C>T on transcript NM_004369.4 (MANE Select); coding-DNA position 3445, C replaced by T.
Protein change: p.Arg1149Trp; replaces arginine 1149 with tryptophan.
Molecular consequence: missense variant.
Genome position (GRCh38, 1-based): chr2:237,374,646, G>A on the plus strand (C>T on the coding strand, the complement: COL6A3 is on the minus strand). VCF-style: chr2-237374646-G-A. GRCh37 (hg19) VCF-style: chr2-238283289-G-A.
Other names: p.Arg1149Trp; c.2224C>T, p.Arg742Trp (NM_057164.5); c.2827C>T, p.Arg943Trp (NM_057165.5, NM_057167.4); c.1624C>T, p.Arg542Trp (NM_057166.5); short protein forms R1149W, R742W, R542W, R943W.
Identifiers: ClinVar variation 284774 (VCV000284774.25), dbSNP rs113360085, ClinGen allele CA2189167.